The following is an entry in ClinVar:

NM_001165963.4(SCN1A):c.1422T>G (p.Ser474Arg)

Gene: SCN1A (sodium voltage-gated channel alpha subunit 1; minus strand). Cytogenetic location: 2q24.3.
Variant type: single nucleotide variant.
Coding change: c.1422T>G on transcript NM_001165963.4 (MANE Select); coding-DNA position 1422, T replaced by G.
Protein change: p.Ser474Arg; replaces serine 474 with arginine.
Molecular consequence: missense variant. On other transcripts: 5 prime UTR variant (1), non-coding transcript variant (1).
Genome position (GRCh38, 1-based): chr2:166,045,283, A>C on the plus strand (T>G on the coding strand, the complement: SCN1A is on the minus strand). VCF-style: chr2-166045283-A-C. GRCh37 (hg19) VCF-style: chr2-166901793-A-C.
Other names: c.1422T>G, p.Ser474Arg (NM_001165964.3, NM_001202435.3, NM_001353948.2 and 7 more transcripts); c.1419T>G, p.Ser473Arg (NM_001353954.2, NM_001353955.2, NM_001353960.2); c.-1004T>G (NM_001353961.2); short protein forms S473R, S474R.
Identifiers: ClinVar variation 2756865 (VCV002756865.3), dbSNP rs2468169278, ClinGen allele CA349069846.

ClinVar aggregate classification (germline): Likely pathogenic (1 of 4 stars; one submission).

Conditions:
Early-infantile DEE. Also called: Ohtahara syndrome; Early infantile epileptic encephalopathy; Early infantile epileptic encephalopathy with suppression bursts. Identifiers: Orphanet 1934, MedGen C0393706, MONDO:0800491.

Submission:

Labcorp Genetics (formerly Invitae), Labcorp
Classification: Likely pathogenic for Early-infantile DEE. Last evaluated: 2023-11-10. Review status: criteria provided, single submitter. Criteria: Invitae Variant Classification Sherloc (09022015). Collection method: clinical testing. Allele origin: germline.
Comment: This sequence change replaces serine, which is neutral and polar, with arginine, which is basic and polar, at codon 474 of the SCN1A protein (p.Ser474Arg). This variant is not present in population databases (gnomAD no frequency). This missense change has been observed in individual(s) with developmental and epileptic encephalopathy (Invitae). In at least one individual the variant was observed to be de novo. Advanced modeling of protein sequence and biophysical properties (such as structural, functional, and spatial information, amino acid conservation, physicochemical variation, residue mobility, and thermodynamic stability) performed at Invitae indicates that this missense variant is not expected to disrupt SCN1A protein function with a negative predictive value of 95%. In summary, the currently available evidence indicates that the variant is pathogenic, but additional data are needed to prove that conclusively. Therefore, this variant has been classified as Likely Pathogenic.